The following is an entry in ClinVar:

NM_001379500.1(COL18A1):c.1351_1377del (p.Gln451_Pro459del)

Gene: COL18A1 (collagen type XVIII alpha 1 chain; plus strand). Cytogenetic location: 21q22.3.
Variant type: Deletion.
Coding change: c.1351_1377del on transcript NM_001379500.1 (MANE Select); coding-DNA positions 1351 to 1377, 27 bases deleted (CAAGGGCCTCCAGGGCCCCCAGGACCC).
Protein change: p.Gln451_Pro459del.
Molecular consequence: inframe deletion.
Genome position (GRCh38, 1-based): chr21:45,480,109-45,480,135, CAAGGGCCTCCAGGGCCCCCAGGACCC deleted; deleting any 27 consecutive bases within chr21:45,480,093-45,480,135 gives the same sequence; the c. name uses the placement nearest the transcript's 3' end. VCF-style (leftmost placement, unchanged base first): chr21-45480092-GAGGGCCCCCAGGACCCCAAGGGCCTCC-G. GRCh37 (hg19) VCF-style: chr21-46900006-GAGGGCCCCCAGGACCCCAAGGGCCTCC-G.
Other names: c.1891_1917del27 (NM_030582.3); c.1351_1377del27 (NM_001379500.1); c.1891_1917del, p.Gln631_Pro639del (NM_030582.4); c.2596_2622del, p.Gln866_Pro874del (NM_130444.3).
Identifiers: ClinVar variation 1376295 (VCV001376295.6), dbSNP rs765744081, ClinGen allele CA10066263.

ClinVar aggregate classification (germline): Uncertain significance. Review status: criteria provided, multiple submitters, no conflicts (2 of 4 stars). 3 submissions from 3 submitters: Uncertain significance (3). Last evaluated 2026-07-30.

Conditions:
COL18A1-related disorder. Also called: COL18A1-related disorders; COL18A1-related condition.

Submissions (3):

PreventionGenetics, part of Exact Sciences
Classification: Uncertain significance for COL18A1-related condition. Last evaluated: 2026-07-30. Review status: criteria provided, single submitter. Criteria: ACMG Guidelines, 2015. Collection method: clinical testing. Allele origin: germline.
Comment: The COL18A1 c.1891_1917del27 variant is predicted to result in an in-frame deletion (p.Gln631_Pro639del). To our knowledge, this variant has not been reported in the literature. This variant is reported in 0.020% of alleles in individuals of Ashkenazi Jewish descent in gnomAD. At this time, the clinical significance of this variant is uncertain due to the absence of conclusive functional and genetic evidence.

Women's Health and Genetics/Laboratory Corporation of America, LabCorp
Classification: Uncertain significance. Last evaluated: 2025-09-23. Review status: criteria provided, single submitter. Criteria: LabCorp Variant Classification Summary - May 2015. Collection method: clinical testing. Allele origin: germline.
Comment: Variant summary: COL18A1 c.1351_1377del27 (p.Gln451_Pro459del) results in an in-frame deletion that is predicted to remove 9 amino acids from the encoded protein. The variant allele was found at a frequency of 3.1e-05 in 1602796 control chromosomes (gnomAD). This frequency is not significantly higher than estimated for disease-causing variants in COL18A1, allowing no conclusion about variant significance. To our knowledge, no occurrence of c.1351_1377del27 in individuals affected with COL18A1-related conditions and no experimental evidence demonstrating its impact on protein function have been reported. ClinVar contains an entry for this variant (Variation ID: 1376295). Based on the evidence outlined above, the variant was classified as uncertain significance.

Labcorp Genetics (formerly Invitae), Labcorp
Classification: Uncertain significance. Last evaluated: 2023-11-18. Review status: criteria provided, single submitter. Criteria: Invitae Variant Classification Sherloc (09022015). Collection method: clinical testing. Allele origin: germline.
Comment: This variant, c.1351_1377del, results in the deletion of 9 amino acid(s) of the COL18A1 protein (p.Gln451_Pro459del), but otherwise preserves the integrity of the reading frame. This variant is present in population databases (rs765744081, gnomAD 0.02%). This variant has not been reported in the literature in individuals affected with COL18A1-related conditions. ClinVar contains an entry for this variant (Variation ID: 1376295). Experimental studies and prediction algorithms are not available or were not evaluated, and the functional significance of this variant is currently unknown. In summary, the available evidence is currently insufficient to determine the role of this variant in disease. Therefore, it has been classified as a Variant of Uncertain Significance.